The following is an entry in ClinVar:

ClinVar aggregate classification (germline): Uncertain significance (1 of 4 stars; one submission).

Conditions:
Cataract 6 multiple types. Also called: CATARACT 6, POSTERIOR POLAR; CATARACT 6, CONGENITAL TOTAL; CATARACT, AGE-RELATED CORTICAL, 2. Identifiers: Orphanet 91492, MedGen C1861825, MONDO:0007288, OMIM 116600.

Allele frequency attached by ClinVar (database versions not stated): TOPMed 0.00001.
gnomAD v4.1: 1 of 1,613,704 alleles (0.000062%); no homozygotes.

Submission:

Labcorp Genetics (formerly Invitae), Labcorp
Classification: Uncertain significance for Cataract 6 multiple types. Last evaluated: 2023-01-05. Review status: criteria provided, single submitter. Criteria: Invitae Variant Classification Sherloc (09022015). Collection method: clinical testing. Allele origin: germline.
Comment: This sequence change replaces tryptophan, which is neutral and slightly polar, with cysteine, which is neutral and slightly polar, at codon 912 of the EPHA2 protein (p.Trp912Cys). ClinVar contains an entry for this variant (Variation ID: 648046). This variant has not been reported in the literature in individuals affected with EPHA2-related conditions. This variant is not present in population databases (gnomAD no frequency). Advanced modeling of protein sequence and biophysical properties (such as structural, functional, and spatial information, amino acid conservation, physicochemical variation, residue mobility, and thermodynamic stability) performed at Invitae indicates that this missense variant is expected to disrupt EPHA2 protein function. In summary, the available evidence is currently insufficient to determine the role of this variant in disease. Therefore, it has been classified as a Variant of Uncertain Significance.

NM_004431.5(EPHA2):c.2736G>T (p.Trp912Cys)

Gene: EPHA2 (EPH receptor A2; minus strand). Cytogenetic location: 1p36.13.
Variant type: single nucleotide variant.
Coding change: c.2736G>T on transcript NM_004431.5 (MANE Select); coding-DNA position 2736, G replaced by T.
Protein change: p.Trp912Cys; replaces tryptophan 912 with cysteine.
Molecular consequence: missense variant.
Genome position (GRCh38, 1-based): chr1:16,129,523, C>A on the plus strand (G>T on the coding strand, the complement: EPHA2 is on the minus strand). VCF-style: chr1-16129523-C-A. GRCh37 (hg19) VCF-style: chr1-16456018-C-A.
Other names: c.2574G>T, p.Trp858Cys (NM_001329090.2); short protein forms W912C, W858C.
Identifiers: ClinVar variation 648046 (VCV000648046.6), dbSNP rs903033191, ClinGen allele CA18325625.